The following is an entry in ClinVar:

NM_000218.3(KCNQ1):c.604+3_604+6dup

Gene: KCNQ1 (potassium voltage-gated channel subfamily Q member 1; plus strand). Cytogenetic location: 11p15.5.
Variant type: Duplication.
Coding change: c.604+3_604+6dup on transcript NM_000218.3 (MANE Select); bases 3 to 6 of the intron after coding-DNA position 604, 4 bases duplicated (GAGT; older notation c.604+3_604+6dupGAGT).
Molecular consequence: splice donor variant. On other transcripts: intron variant (1).
Genome position (GRCh38, 1-based): chr11:2,570,757-2,570,760, GAGT duplicated; duplicating any 4 consecutive bases within chr11:2,570,755-2,570,760 gives the same sequence; the c. name uses the placement nearest the transcript's 3' end. VCF-style (leftmost placement, unchanged base first): chr11-2570754-G-GGTGA. GRCh37 (hg19) VCF-style: chr11-2591984-G-GGTGA.
Other names: c.334+3_334+6dup (NM_001406837.1); c.604+3_604+6dup (NM_001406836.1); c.478-12678_478-12675dup (NM_001406838.1); c.223+3_223+6dup (NM_181798.2).
Identifiers: ClinVar variation 871729 (VCV000871729.23), dbSNP rs1848322064, ClinGen allele CA934459766.

ClinVar aggregate classification (germline): Uncertain significance. Review status: reviewed by expert panel (3 of 4 stars). 5 submissions from 5 submitters: Uncertain significance (1). 4 of the submissions do not count toward it. Last evaluated 2025-07-01.

Conditions:
Cardiac arrhythmia. Also called: Arrhythmia; Cardiac rhythm disease. Identifiers: MedGen C0003811, MONDO:0007263, HP:0011675.
Long QT syndrome 1 (LQT1). Identifiers: Orphanet 101016, Orphanet 768, MedGen C4551647, MONDO:0100316, OMIM 192500, MONDO:0008646.
Long QT syndrome (LQTS). Identifiers: MedGen C0023976, MeSH D008133, MONDO:0002442. Disease mechanism: loss of function. Inheritance: Various modes of inheritance.

Submissions (5):

ClinGen Potassium Channel Arrhythmia Variant Curation Expert Panel, ClinGen
Classification: Uncertain significance for Long QT syndrome 1. Last evaluated: 2025-07-01. Review status: reviewed by expert panel. Criteria: ClinGen KChannel ACMG Specifications KCNQ1 V1.0.0 2. Collection method: curation. Allele origin: germline. Inheritance: Autosomal dominant inheritance.
Comment: NM_000218.3(KCNQ1):c.604+3_604+6dup is a variant in intron 3 that duplicates four base pairs adjacent to exon 3. This variant is present in gnomAD v.4.1.0 at a maximum allele frequency of 0.000002542, with 3 alleles / 1,179,978 total alleles in the European (non-Finnish) population, which is lower than the ClinGen Potassium Channel Arrhythmia VCEP PM2_Supporting threshold of <0.00001 (PM2_Supporting). The computational splicing predictor SpliceAI gives a score of 0.07 for donor gain, which is lower than the ClinGen Potassium Channel Arrhythmia VCEP BP4 threshold of <0.2 and predicts a non-damaging effect on KCNQ1 splicing (BP4). This intronic variant is located within one of the regions immediately flanking the exon (between +1 and +7 or between -1 and -21), and so is not eligible for the BP7 code. In summary, this variant meets the criteria to be classified as a variant of uncertain significance for long QT syndrome 1 based on the ACMG/AMP criteria applied, as specified by the ClinGen Potassium Channel Arrhythmia VCEP: PM2_Supporting and BP4. (VCEP specifications version 1.0.0; date of approval 03/04/2025).

GeneDx
Classification: Uncertain significance. Last evaluated: 2025-06-24. Review status: criteria provided, single submitter. Criteria: GeneDx Variant Classification Process June 2021. Collection method: clinical testing. Allele origin: germline. Affected: yes. Not counted in ClinVar's aggregate classification.
Comment: Not observed at significant frequency in large population cohorts (gnomAD); In silico analysis supports a deleterious effect on splicing; Has not been previously published as pathogenic or benign to our knowledge

Labcorp Genetics (formerly Invitae), Labcorp
Classification: Likely benign for Long QT syndrome. Last evaluated: 2025-06-11. Review status: criteria provided, single submitter. Criteria: Invitae Variant Classification Sherloc (09022015). Collection method: clinical testing. Allele origin: germline. Not counted in ClinVar's aggregate classification.

All of Us Research Program, National Institutes of Health
Classification: Uncertain significance for Long QT syndrome. Last evaluated: 2024-05-14. Review status: criteria provided, single submitter. Criteria: ACMG Guidelines, 2015. Collection method: clinical testing. Allele origin: germline. Inheritance: Autosomal dominant inheritance. Observed: 1 variant allele, 1 heterozygote. Not counted in ClinVar's aggregate classification.
Comment: This variant causes a duplication of four nucleotides in intron 3 of the KCNQ1 gene. To our knowledge, functional studies have not been reported for this variant. This variant has not been reported in individuals affected with KCNQ1-related disorders in the literature. This variant has not been identified in the general population by the Genome Aggregation Database (gnomAD). The available evidence is insufficient to determine the role of this variant in disease conclusively. Therefore, this variant is classified as a Variant of Uncertain Significance.

This study involves interpretation of variants in research participants for the purpose of population health screening. Participant phenotype was not available at the time of variant classification. Additional details can be found in publication PMID: 35346344, PMCID: PMC8962531

Color Diagnostics, LLC DBA Color Health
Classification: Uncertain significance for Cardiac arrhythmia. Last evaluated: 2024-04-24. Review status: criteria provided, single submitter. Criteria: ACMG Guidelines, 2015. Collection method: clinical testing. Allele origin: germline. Not counted in ClinVar's aggregate classification.
Comment: This variant causes a duplication of four nucleotides in intron 3 of the KCNQ1 gene. To our knowledge, functional studies have not been reported for this variant. This variant has not been reported in individuals affected with KCNQ1-related disorders in the literature. This variant has not been identified in the general population by the Genome Aggregation Database (gnomAD). The available evidence is insufficient to determine the role of this variant in disease conclusively. Therefore, this variant is classified as a Variant of Uncertain Significance.